The following is an entry in ClinVar:

ClinVar aggregate classification (germline): Likely benign. Review status: criteria provided, multiple submitters, no conflicts (2 of 4 stars). 3 submissions from 3 submitters: Likely benign (3). Last evaluated 2022-12-01.

Allele frequency attached by ClinVar (database versions not stated): ESP Exome Variant Server 0.00249; 1000 Genomes Project 0.00319; gnomAD 0.00325 and 0.00334; TOPMed 0.00340; 1000 Genomes Project 30x 0.00344; gnomAD exomes 0.00434 and 0.00541; ExAC 0.00614.
gnomAD v4.1: 8,063 of 1,555,658 alleles (0.52%); highest among the groups gnomAD compares: South Asian, 0.79%; 34 homozygotes.

Submissions (3):

CeGaT Center for Human Genetics Tuebingen
Classification: Likely benign. Last evaluated: 2022-12-01. Review status: criteria provided, single submitter. Criteria: CeGaT Center For Human Genetics Tuebingen Variant Classification Criteria Version 2. Collection method: clinical testing. Allele origin: germline. Affected: yes. Observed: 3 variant alleles.
Comment: P2RX7: BP4, BS2

Labcorp Genetics (formerly Invitae), Labcorp
Classification: Likely benign. Last evaluated: 2019-12-31. Review status: criteria provided, single submitter. Criteria: Invitae Variant Classification Sherloc (09022015). Collection method: clinical testing. Allele origin: germline.

Breakthrough Genomics
Classification: Likely benign. Review status: criteria provided, single submitter. Criteria: ACMG Guidelines, 2015. Collection method: not provided. Allele origin: germline. Inheritance: Unknown mechanism. Affected: yes.

NM_002562.6(P2RX7):c.1733G>A (p.Arg578Gln)

Gene: P2RX7 (purinergic receptor P2X 7; plus strand). Cytogenetic location: 12q24.31.
Variant type: single nucleotide variant.
Coding change: c.1733G>A on transcript NM_002562.6 (MANE Select); coding-DNA position 1733, G replaced by A.
Protein change: p.Arg578Gln; replaces arginine 578 with glutamine.
Molecular consequence: missense variant. On other transcripts: non-coding transcript variant (9).
Genome position (GRCh38, 1-based): chr12:121,184,747, G>A. VCF-style: chr12-121184747-G-A. GRCh37 (hg19) VCF-style: chr12-121622550-G-A.
Other names: short protein forms R578Q.
Identifiers: ClinVar variation 444309 (VCV000444309.42), dbSNP rs28360460, ClinGen allele CA6833699.